The following is an entry in ClinVar:

NM_199420.4(POLQ):c.5349C>A (p.His1783Gln)

Gene: POLQ (DNA polymerase theta; minus strand). Cytogenetic location: 3q13.33.
Variant type: single nucleotide variant.
Coding change: c.5349C>A on transcript NM_199420.4 (MANE Select); coding-DNA position 5349, C replaced by A.
Protein change: p.His1783Gln; replaces histidine 1783 with glutamine.
Molecular consequence: missense variant.
Genome position (GRCh38, 1-based): chr3:121,487,582, G>T on the plus strand (C>A on the coding strand, the complement: POLQ is on the minus strand). VCF-style: chr3-121487582-G-T. GRCh37 (hg19) VCF-style: chr3-121206429-G-T.
Other names: short protein forms H1783Q.
Identifiers: ClinVar variation 1746965 (VCV001746965.3), dbSNP rs202208299, ClinGen allele CA2562732.
Genomic context (GRCh38, chr3:121,487,582, plus strand): 5'-GCTTGTGTCACTAATAGGGCTGTTGTCTTTGAACCCATTTCTACTCCCTGGACTTAAATC[G>T]TGGTTTTTAATATCTGAAGGTGAGCCAAATAAATAACTTTCACCAGGTTGTAAAACATTA-3'
Protein context (NP_955452.3, residues 1773-1793): LFGSPSDIKN[His1783Gln]DLSPGSRNGF

ClinVar aggregate classification (germline): Uncertain significance (1 of 4 stars; one submission).

Allele frequency attached by ClinVar (database versions not stated): 1000 Genomes Project 30x 0.00016; 1000 Genomes Project 0.00020.
gnomAD v4.1: 10 of 1,614,014 alleles (0.00062%); highest among the groups gnomAD compares: African/African-American, 0.0067%; no homozygotes.

Submission:

Ambry Genetics
Classification: Uncertain significance. Last evaluated: 2024-05-29. Review status: criteria provided, single submitter. Criteria: Ambry Variant Classification Scheme 2023. Collection method: clinical testing. Allele origin: germline.
Comment: The p.H1783Q variant (also known as c.5349C>A), located in coding exon 16 of the POLQ gene, results from a C to A substitution at nucleotide position 5349. The histidine at codon 1783 is replaced by glutamine, an amino acid with highly similar properties. This amino acid position is conserved. In addition, this alteration is predicted to be tolerated by in silico analysis. Since supporting evidence is limited at this time, the clinical significance of this alteration remains unclear.